The following is an entry in ClinVar:

NM_000812.4(GABRB1):c.313A>G (p.Asn105Asp)

Gene: GABRB1 (gamma-aminobutyric acid type A receptor subunit beta1; plus strand). Cytogenetic location: 4p12.
Variant type: single nucleotide variant.
Coding change: c.313A>G on transcript NM_000812.4 (MANE Select); coding-DNA position 313, A replaced by G.
Protein change: p.Asn105Asp; replaces asparagine 105 with aspartic acid.
Molecular consequence: missense variant.
Genome position (GRCh38, 1-based): chr4:47,161,321, A>G. VCF-style: chr4-47161321-A-G. GRCh37 (hg19) VCF-style: chr4-47163338-A-G.
Other names: short protein forms N105D.
Identifiers: ClinVar variation 2005283 (VCV002005283.4), dbSNP rs2475342326, ClinGen allele CA356805856.

ClinVar aggregate classification (germline): Uncertain significance (1 of 4 stars; one submission).

Submission:

Labcorp Genetics (formerly Invitae), Labcorp
Classification: Uncertain significance. Last evaluated: 2023-11-27. Review status: criteria provided, single submitter. Criteria: Invitae Variant Classification Sherloc (09022015). Collection method: clinical testing. Allele origin: germline.
Comment: This sequence change replaces asparagine, which is neutral and polar, with aspartic acid, which is acidic and polar, at codon 105 of the GABRB1 protein (p.Asn105Asp). This variant is not present in population databases (gnomAD no frequency). This variant has not been reported in the literature in individuals affected with GABRB1-related conditions. ClinVar contains an entry for this variant (Variation ID: 2005283). Advanced modeling of protein sequence and biophysical properties (such as structural, functional, and spatial information, amino acid conservation, physicochemical variation, residue mobility, and thermodynamic stability) performed at Invitae indicates that this missense variant is not expected to disrupt GABRB1 protein function with a negative predictive value of 80%. In summary, the available evidence is currently insufficient to determine the role of this variant in disease. Therefore, it has been classified as a Variant of Uncertain Significance.